The following is an entry in ClinVar:

NM_001174150.2(ARL13B):c.1193G>T (p.Gly398Val)

Gene: ARL13B (ARF like GTPase 13B; plus strand). Cytogenetic location: 3q11.2.
Variant type: single nucleotide variant.
Coding change: c.1193G>T on transcript NM_001174150.2 (MANE Select); coding-DNA position 1193, G replaced by T.
Protein change: p.Gly398Val; replaces glycine 398 with valine.
Molecular consequence: missense variant. On other transcripts: non-coding transcript variant (2).
Genome position (GRCh38, 1-based): chr3:94,050,875, G>T. VCF-style: chr3-94050875-G-T. GRCh37 (hg19) VCF-style: chr3-93769719-G-T.
Other names: c.884G>T, p.Gly295Val (NM_001174151.2); c.1148G>T, p.Gly383Val (NM_001321328.2); c.872G>T, p.Gly291Val (NM_144996.4); c.1193G>T, p.Gly398Val (NM_182896.3); short protein forms G383V, G398V, G291V, G295V.
Identifiers: ClinVar variation 839064 (VCV000839064.5), dbSNP rs1483508428, ClinGen allele CA353679697.

ClinVar aggregate classification (germline): Uncertain significance. Review status: criteria provided, multiple submitters, no conflicts (2 of 4 stars). 2 submissions from 2 submitters: Uncertain significance (2). Last evaluated 2021-11-18.

Conditions:
Joubert syndrome 8 (JBTS8). Identifiers: Orphanet 475, MedGen C2676771, MONDO:0012855, OMIM 612291.

Allele frequency attached by ClinVar (database versions not stated): gnomAD exomes below 0.00001; TOPMed 0.00001.
gnomAD v4.1: 2 of 1,613,048 alleles (0.00012%); highest among the groups gnomAD compares: Middle Eastern, 0.017%; no homozygotes.

Submissions (2):

Fulgent Genetics
Classification: Uncertain significance for Joubert syndrome 8. Last evaluated: 2021-11-18. Review status: criteria provided, single submitter. Criteria: ACMG Guidelines, 2015. Collection method: clinical testing. Allele origin: unknown.

Labcorp Genetics (formerly Invitae), Labcorp
Classification: Uncertain significance for Joubert syndrome 8. Last evaluated: 2021-08-30. Review status: criteria provided, single submitter. Criteria: Invitae Variant Classification Sherloc (09022015). Collection method: clinical testing. Allele origin: germline.
Comment: This sequence change replaces glycine with valine at codon 398 of the ARL13B protein (p.Gly398Val). The glycine residue is moderately conserved and there is a moderate physicochemical difference between glycine and valine. This variant is not present in population databases (ExAC no frequency). This variant has not been reported in the literature in individuals affected with ARL13B-related conditions. Algorithms developed to predict the effect of missense changes on protein structure and function are either unavailable or do not agree on the potential impact of this missense change (SIFT: "Deleterious"; PolyPhen-2: "Probably Damaging"; Align-GVGD: "Class C0"). In summary, the available evidence is currently insufficient to determine the role of this variant in disease. Therefore, it has been classified as a Variant of Uncertain Significance.